The following is an entry in ClinVar:

NM_006949.4(STXBP2):c.1769T>C (p.Ile590Thr)

Gene: STXBP2 (syntaxin binding protein 2; plus strand). Cytogenetic location: 19p13.2.
Variant type: single nucleotide variant.
Coding change: c.1769T>C on transcript NM_006949.4 (MANE Select); coding-DNA position 1769, T replaced by C.
Protein change: p.Ile590Thr; replaces isoleucine 590 with threonine.
Molecular consequence: missense variant. On other transcripts: non-coding transcript variant (1).
Genome position (GRCh38, 1-based): chr19:7,647,797, T>C. VCF-style: chr19-7647797-T-C. GRCh37 (hg19) VCF-style: chr19-7712683-T-C.
Other names: c.1760T>C, p.Ile587Thr (NM_001127396.3); c.1802T>C, p.Ile601Thr (NM_001272034.2); short protein forms I587T, I590T, I601T.
Identifiers: ClinVar variation 1491585 (VCV001491585.3), dbSNP rs745455637, ClinGen allele CA9144334.
Genomic context (GRCh38, chr19:7,647,797, plus strand): 5'-TCCTCACCCCGACCCGCTTCCTGGATGACCTGAAGGCACTGGACAAGAAGCTGGAGGACA[T>C]TGCCCTGCCCTGACCCCTGGCCCCGCCCCCTACCCCTCCCTTTCCAGAGAAATAAACTCT-3'
Protein context (NP_008880.2, residues 580-593): LKALDKKLED[Ile590Thr]ALP

ClinVar aggregate classification (germline): Uncertain significance (1 of 4 stars; one submission).

Conditions:
Familial hemophagocytic lymphohistiocytosis 5. Also called: STXBP2-Related Familial Hemophagocytic Lymphohistiocytosis (STXBP2-fHLH). Identifiers: Orphanet 540, MedGen C2751293, MONDO:0013135, OMIM 613101.

Allele frequency attached by ClinVar (database versions not stated): gnomAD exomes below 0.00001 and 0.00001; ExAC 0.00001.
gnomAD v4.1: 2 of 1,613,754 alleles (0.00012%); highest among the groups gnomAD compares: Admixed American, 0.0033%; no homozygotes.

Submission:

Labcorp Genetics (formerly Invitae), Labcorp
Classification: Uncertain significance for Familial hemophagocytic lymphohistiocytosis 5. Last evaluated: 2022-06-05. Review status: criteria provided, single submitter. Criteria: Invitae Variant Classification Sherloc (09022015). Collection method: clinical testing. Allele origin: germline.
Comment: This sequence change replaces isoleucine, which is neutral and non-polar, with threonine, which is neutral and polar, at codon 590 of the STXBP2 protein (p.Ile590Thr). This variant is present in population databases (rs745455637, gnomAD 0.003%). This variant has not been reported in the literature in individuals affected with STXBP2-related conditions. ClinVar contains an entry for this variant (Variation ID: 1491585). Algorithms developed to predict the effect of missense changes on protein structure and function (SIFT, PolyPhen-2, Align-GVGD) all suggest that this variant is likely to be tolerated. In summary, the available evidence is currently insufficient to determine the role of this variant in disease. Therefore, it has been classified as a Variant of Uncertain Significance.